The following is an entry in ClinVar:

ClinVar aggregate classification (germline): Uncertain significance (1 of 4 stars; one submission).

Allele frequency attached by ClinVar (database versions not stated): gnomAD exomes below 0.00001; gnomAD 0.00001.
gnomAD v4.1: 4 of 1,614,024 alleles (0.00025%); highest among the groups gnomAD compares: African/African-American, 0.0013%; no homozygotes.

Submission:

Labcorp Genetics (formerly Invitae), Labcorp
Classification: Uncertain significance. Last evaluated: 2021-12-18. Review status: criteria provided, single submitter. Criteria: Invitae Variant Classification Sherloc (09022015). Collection method: clinical testing. Allele origin: germline.
Comment: In summary, the available evidence is currently insufficient to determine the role of this variant in disease. Therefore, it has been classified as a Variant of Uncertain Significance. Algorithms developed to predict the effect of missense changes on protein structure and function are either unavailable or do not agree on the potential impact of this missense change (SIFT: "Tolerated"; PolyPhen-2: "Probably Damaging"; Align-GVGD: "Class C0"). This variant has not been reported in the literature in individuals affected with SZT2-related conditions. This variant is not present in population databases (gnomAD no frequency). This sequence change replaces valine, which is neutral and non-polar, with isoleucine, which is neutral and non-polar, at codon 1983 of the SZT2 protein (p.Val1983Ile).

NM_001365999.1(SZT2):c.6118G>A (p.Val2040Ile)

Gene: SZT2 (SZT2 subunit of KICSTOR complex; plus strand). Cytogenetic location: 1p34.2.
Variant type: single nucleotide variant.
Coding change: c.6118G>A on transcript NM_001365999.1 (MANE Select); coding-DNA position 6118, G replaced by A.
Protein change: p.Val2040Ile; replaces valine 2040 with isoleucine.
Molecular consequence: missense variant.
Genome position (GRCh38, 1-based): chr1:43,437,254, G>A. VCF-style: chr1-43437254-G-A. GRCh37 (hg19) VCF-style: chr1-43902925-G-A.
Other names: c.5947G>A, p.Val1983Ile (NM_015284.4); short protein forms V1983I, V2040I.
Identifiers: ClinVar variation 2047393 (VCV002047393.3), dbSNP rs1470139205, ClinGen allele CA340028346.